The following is an entry in ClinVar:

ClinVar aggregate classification (germline): Uncertain significance. Review status: criteria provided, multiple submitters, no conflicts (2 of 4 stars). 2 submissions from 2 submitters: Uncertain significance (2). Last evaluated 2025-08-24.

Conditions:
Inborn genetic diseases. Identifiers: MedGen C0950123, MeSH D030342.

gnomAD v4.1: 31 of 1,601,824 alleles (0.0019%); highest among the groups gnomAD compares: Non-Finnish European, 0.0025%; no homozygotes.

Submissions (2):

Ambry Genetics
Classification: Uncertain significance for Inborn genetic diseases. Last evaluated: 2025-08-24. Review status: criteria provided, single submitter. Criteria: Ambry Variant Classification Scheme 2023. Collection method: clinical testing. Allele origin: germline.

Labcorp Genetics (formerly Invitae), Labcorp
Classification: Uncertain significance. Last evaluated: 2022-02-10. Review status: criteria provided, single submitter. Criteria: Invitae Variant Classification Sherloc (09022015). Collection method: clinical testing. Allele origin: germline.
Comment: This sequence change replaces alanine, which is neutral and non-polar, with aspartic acid, which is acidic and polar, at codon 285 of the TSFM protein (p.Ala285Asp). The frequency data for this variant in the population databases is considered unreliable, as metrics indicate poor data quality at this position in the gnomAD database. This variant has not been reported in the literature in individuals affected with TSFM-related conditions. Algorithms developed to predict the effect of missense changes on protein structure and function are either unavailable or do not agree on the potential impact of this missense change (SIFT: "Tolerated"; PolyPhen-2: "Possibly Damaging"; Align-GVGD: "Class C0"). In summary, the available evidence is currently insufficient to determine the role of this variant in disease. Therefore, it has been classified as a Variant of Uncertain Significance.

NM_005726.6(TSFM):c.791C>A (p.Ala264Asp)

Gene: TSFM (Ts translation elongation factor, mitochondrial; plus strand). Cytogenetic location: 12q14.1.
Variant type: single nucleotide variant.
Coding change: c.791C>A on transcript NM_005726.6 (MANE Select); coding-DNA position 791, C replaced by A.
Protein change: p.Ala264Asp; replaces alanine 264 with aspartic acid.
Molecular consequence: missense variant. On other transcripts: 3 prime UTR variant (1), intron variant (1).
Genome position (GRCh38, 1-based): chr12:57,796,396, C>A. VCF-style: chr12-57796396-C-A. GRCh37 (hg19) VCF-style: chr12-58190179-C-A.
Other names: c.854C>A (NM_001172696.1); c.*199C>A (NM_001172695.2); c.854C>A, p.Ala285Asp (NM_001172696.2); c.571+3323C>A (NM_001172697.2); short protein forms A285D, A264D.
Identifiers: ClinVar variation 2191329 (VCV002191329.2), dbSNP rs754224859, ClinGen allele CA385531255.